The following is an entry in ClinVar:

NM_030962.4(SBF2):c.4351C>G (p.His1451Asp)

Genes: SBF2 (SET binding factor 2; minus strand), SBF2-AS1 (SBF2 antisense RNA 1; plus strand). Cytogenetic location: 11p15.4.
Variant type: single nucleotide variant.
Coding change: c.4351C>G on transcript NM_030962.4 (MANE Select); coding-DNA position 4351, C replaced by G.
Protein change: p.His1451Asp; replaces histidine 1451 with aspartic acid.
Molecular consequence: missense variant. On other transcripts: non-coding transcript variant (1).
Genome position (GRCh38, 1-based): chr11:9,808,092, G>C on the plus strand (C>G on the coding strand, the complement: SBF2 is on the minus strand). VCF-style: chr11-9808092-G-C. GRCh37 (hg19) VCF-style: chr11-9829639-G-C.
Other names: c.4447C>G, p.His1483Asp (NM_001386339.1); c.4222C>G, p.His1408Asp (NM_001386342.1); short protein forms H1408D, H1451D, H1483D.
Identifiers: ClinVar variation 1051289 (VCV001051289.7), dbSNP rs2133896649, ClinGen allele CA379639885.
Genomic context (GRCh38, chr11:9,808,092, plus strand): 5'-CTGGAGCAAAACCACTCCCCTGACAGTTGAGGGTCAAGCTGCTCCTCTGACTGAATTTGT[G>C]ACCAAAAGAGAGCCACTCTTTTTCAACCAACATCTGGAAGCCTTCAAGTGTCCTATAAAA-3'
Protein context (NP_112224.1, residues 1441-1461): LVEKEWLSFG[His1451Asp]KFSQRSSLTL

ClinVar aggregate classification (germline): Uncertain significance (1 of 4 stars; one submission).

Conditions:
Charcot-Marie-Tooth disease type 4. Also called: Charcot-Marie-Tooth disease, type IV; Charcot-Marie-Tooth, Type 4. Identifiers: Orphanet 64749, MedGen C4082197, MONDO:0018995.

Submission:

Labcorp Genetics (formerly Invitae), Labcorp
Classification: Uncertain significance for Charcot-Marie-Tooth disease type 4. Last evaluated: 2022-08-23. Review status: criteria provided, single submitter. Criteria: Invitae Variant Classification Sherloc (09022015). Collection method: clinical testing. Allele origin: germline.
Comment: In summary, the available evidence is currently insufficient to determine the role of this variant in disease. Therefore, it has been classified as a Variant of Uncertain Significance. Algorithms developed to predict the effect of missense changes on protein structure and function are either unavailable or do not agree on the potential impact of this missense change (SIFT: "Deleterious"; PolyPhen-2: "Probably Damaging"; Align-GVGD: "Class C0"). ClinVar contains an entry for this variant (Variation ID: 1051289). This variant has not been reported in the literature in individuals affected with SBF2-related conditions. This variant is not present in population databases (gnomAD no frequency). This sequence change replaces histidine, which is basic and polar, with aspartic acid, which is acidic and polar, at codon 1451 of the SBF2 protein (p.His1451Asp).